The following is an entry in ClinVar:

NM_024824.5(ZC3H14):c.1260T>G (p.Asp420Glu)

Gene: ZC3H14 (zinc finger CCCH-type containing 14; plus strand). Cytogenetic location: 14q31.3.
Variant type: single nucleotide variant.
Coding change: c.1260T>G on transcript NM_024824.5 (MANE Select); coding-DNA position 1260, T replaced by G.
Protein change: p.Asp420Glu; replaces aspartic acid 420 with glutamic acid.
Molecular consequence: missense variant. On other transcripts: non-coding transcript variant (1), intron variant (2).
Genome position (GRCh38, 1-based): chr14:88,578,121, T>G. VCF-style: chr14-88578121-T-G. GRCh37 (hg19) VCF-style: chr14-89044465-T-G.
Other names: c.1260T>G, p.Asp420Glu (NM_001160103.2, NM_001160104.2, NM_001326295.2 and 7 more transcripts); c.1158T>G, p.Asp386Glu (NM_001326297.2, NM_001326301.2, NM_001326303.2 and 3 more transcripts); c.795T>G, p.Asp265Glu (NM_001326300.2, NM_001326302.2, NM_001326304.2 and 5 more transcripts); c.1123+2181T>G (NM_001326313.2, NM_001326306.2); short protein forms D420E, D265E, D386E.
Identifiers: ClinVar variation 437311 (VCV000437311.8), dbSNP rs201108116, ClinGen allele CA7300429.
Genomic context (GRCh38, chr14:88,578,121, plus strand): 5'-GGGACAAAGTAGGACCCCCAGAATAAGTCCCCCCATTAAAGAAGAGGAAACAAAAGGAGA[T>G]TCTGTAGAAAAAAATCAAGGTAATAACTTAAATGATGTTTCACTCTTTACTACAGTTTTT-3'
Protein context (NP_079100.2, residues 410-430): PPIKEEETKG[Asp420Glu]SVEKNQGTQQ

ClinVar aggregate classification (germline): Uncertain significance. Review status: criteria provided, single submitter (1 of 4 stars). 2 submissions from 2 submitters: Uncertain significance (1). 1 of the submissions does not count toward it. Last evaluated 2016-02-11.

Conditions:
ZC3H14-related disorder. Also called: ZC3H14-related condition.

Allele frequency attached by ClinVar (database versions not stated): ESP Exome Variant Server 0.00015; ExAC 0.00018; gnomAD 0.00018 and 0.00022; TOPMed 0.00042.
gnomAD v4.1: 243 of 1,613,876 alleles (0.015%); highest among the groups gnomAD compares: Admixed American, 0.077%; no homozygotes.

Submissions (2):

Genetic Services Laboratory, University of Chicago
Classification: Uncertain significance. Last evaluated: 2016-02-11. Review status: criteria provided, single submitter. Criteria: ACMG Guidelines, 2015. Collection method: clinical testing. Allele origin: germline. Affected: no.

PreventionGenetics, part of Exact Sciences
Classification: Likely benign for ZC3H14-related condition. Last evaluated: 2022-03-09. Review status: no assertion criteria provided. Collection method: clinical testing. Allele origin: germline. Not counted in ClinVar's aggregate classification.
Comment: This variant is classified as likely benign based on ACMG/AMP sequence variant interpretation guidelines (Richards et al. 2015 PMID: 25741868, with internal and published modifications).